The following is an entry in ClinVar:

ClinVar aggregate classification (germline): Pathogenic/Likely pathogenic. Review status: criteria provided, multiple submitters, no conflicts (2 of 4 stars). 4 submissions from 4 submitters: Pathogenic (3); Likely pathogenic (1). Last evaluated 2025-03-04.

Conditions:
PDE6C-related disorder. Also called: PDE6C-related condition.
Retinal dystrophy. Also called: Inherited retinal dystrophy. Identifiers: Orphanet 71862, MedGen C0854723, MeSH D058499, MONDO:0019118, HP:0000556.
Cone dystrophy 4 (COD4). Identifiers: Orphanet 49382, MedGen C2751308, MONDO:0013129, OMIM 613093.

Allele frequency attached by ClinVar (database versions not stated): TOPMed below 0.00001; gnomAD exomes 0.00001.
gnomAD v4.1: 17 of 1,613,574 alleles (0.0011%); highest among the groups gnomAD compares: Non-Finnish European, 0.0014%; no homozygotes.

Submissions (4):

Institute of Human Genetics, University of Leipzig Medical Center
Classification: Pathogenic for Cone dystrophy 4. Last evaluated: 2025-03-04. Review status: criteria provided, single submitter. Criteria: ACMG Guidelines, 2015. Collection method: clinical testing. Allele origin: unknown. Inheritance: Autosomal recessive inheritance. Affected: yes.
Comment: Criteria applied: PVS1,PM3,PM2_SUP

PreventionGenetics, part of Exact Sciences
Classification: Likely pathogenic for PDE6C-related condition. Last evaluated: 2023-08-22. Review status: criteria provided, single submitter. Criteria: ACMG Guidelines, 2015. Collection method: clinical testing. Allele origin: germline.
Comment: The PDE6C c.1669C>T variant is predicted to result in premature protein termination (p.Arg557*). To our knowledge, this variant has not been reported in the literature. This variant is reported in 0.0033% of alleles in individuals of South Asian descent in gnomAD. Nonsense variants in PDE6C are expected to be pathogenic. This variant is interpreted as likely pathogenic.

Labcorp Genetics (formerly Invitae), Labcorp
Classification: Pathogenic. Last evaluated: 2020-05-21. Review status: criteria provided, single submitter. Criteria: Invitae Variant Classification Sherloc (09022015). Collection method: clinical testing. Allele origin: germline.
Comment: This sequence change creates a premature translational stop signal (p.Arg557*) in the PDE6C gene. It is expected to result in an absent or disrupted protein product. This variant is present in population databases (rs781699886, ExAC 0.006%). This variant has not been reported in the literature in individuals with PDE6C-related conditions. Loss-of-function variants in PDE6C are known to be pathogenic (PMID: 19887631, 23776498, 26103963, 30080950). For these reasons, this variant has been classified as Pathogenic.

Institute of Human Genetics, Univ. Regensburg, Univ. Regensburg
Classification: Pathogenic for Retinal dystrophy. Last evaluated: 2019-01-01. Review status: criteria provided, single submitter. Criteria: ACMG Guidelines, 2015. Collection method: clinical testing. Allele origin: germline. Affected: yes.

Literature cited by the submitters: PubMed 19887631 (cited by Labcorp Genetics (formerly Invitae), Labcorp); PubMed 23776498 (cited by Labcorp Genetics (formerly Invitae), Labcorp); PubMed 26103963 (cited by Labcorp Genetics (formerly Invitae), Labcorp); PubMed 30080950 (cited by Labcorp Genetics (formerly Invitae), Labcorp); PubMed 31964843 (cited by Institute of Human Genetics, Univ. Regensburg, Univ. Regensburg).

NM_006204.4(PDE6C):c.1669C>T (p.Arg557Ter)

Gene: PDE6C (phosphodiesterase 6C; plus strand). Cytogenetic location: 10q23.33.
Variant type: single nucleotide variant.
Coding change: c.1669C>T on transcript NM_006204.4 (MANE Select); coding-DNA position 1669, C replaced by T.
Protein change: p.Arg557Ter; replaces arginine 557 with a stop codon.
Molecular consequence: nonsense.
Genome position (GRCh38, 1-based): chr10:93,640,489, C>T. VCF-style: chr10-93640489-C-T. GRCh37 (hg19) VCF-style: chr10-95400246-C-T.
Other names: c.1669C>T (NM_006204.3); short protein forms R557*.
Identifiers: ClinVar variation 1069941 (VCV001069941.5), dbSNP rs781699886, ClinGen allele CA5610261.
Genomic context (GRCh38, chr10:93,640,489, plus strand): 5'-AATGGTGTCATCTTCTTTTAGGTTCTTACCAGATGGATGTACACTGTGAGGAAAGGGTAC[C>T]GAGCTGTCACTTACCACAATTGGCGGCATGGGTTCAACGTGGGGCAGACCATGTTTACTT-3'